The following is an entry in ClinVar:

ClinVar aggregate classification (germline): Uncertain significance (1 of 4 stars; one submission).

gnomAD v4.1: 1 of 1,613,996 alleles (0.000062%); highest among the groups gnomAD compares: South Asian, 0.0011%; no homozygotes.

Submission:

GeneDx
Classification: Uncertain significance. Last evaluated: 2023-05-30. Review status: criteria provided, single submitter. Criteria: GeneDx Variant Classification Process June 2021. Collection method: clinical testing. Allele origin: germline. Affected: yes.
Comment: Nonsense variant predicted to result in protein truncation or nonsense mediated decay in a gene for which loss-of-function is not an established mechanism of disease; Has not been previously published as pathogenic or benign to our knowledge

NM_001195.5(BFSP1):c.393C>A (p.Cys131Ter)

Gene: BFSP1 (beaded filament structural protein 1; minus strand). Cytogenetic location: 20p12.1.
Variant type: single nucleotide variant.
Coding change: c.393C>A on transcript NM_001195.5 (MANE Select); coding-DNA position 393, C replaced by A.
Protein change: p.Cys131Ter; replaces cysteine 131 with a stop codon.
Molecular consequence: nonsense. On other transcripts: 5 prime UTR variant (2).
Genome position (GRCh38, 1-based): chr20:17,524,893, G>T on the plus strand (C>A on the coding strand, the complement: BFSP1 is on the minus strand). VCF-style: chr20-17524893-G-T. GRCh37 (hg19) VCF-style: chr20-17505538-G-T.
Other names: c.18C>A, p.Cys6Ter (NM_001161705.2); c.-25C>A (NM_001278606.2, NM_001278608.2); c.60C>A, p.Cys20Ter (NM_001278607.2); c.393C>A, p.Cys131Ter (NM_001424338.1); short protein forms C131*, C20*, C6*.
Identifiers: ClinVar variation 3362055 (VCV003362055.1).